The following is an entry in ClinVar:

ClinVar aggregate classification (germline): Uncertain significance. Review status: criteria provided, multiple submitters, no conflicts (2 of 4 stars). 2 submissions from 2 submitters: Uncertain significance (2). Last evaluated 2025-04-29.

Conditions:
Hereditary cancer-predisposing syndrome. Also called: Neoplastic Syndromes, Hereditary; Tumor predisposition; Hereditary Cancer Syndrome; Hereditary neoplastic syndrome. Identifiers: Orphanet 140162, MedGen C0027672, MeSH D009386, MONDO:0015356.
Neurofibromatosis, type 2 (SWNV). Also called: NF2-Related Schwannomatosis; BILATERAL ACOUSTIC NEUROFIBROMATOSIS; SCHWANNOMATOSIS, VESTIBULAR. Identifiers: Orphanet 637, MedGen C0027832, MONDO:0007039, OMIM 101000. Disease mechanism: loss of function.

Submissions (2):

Ambry Genetics
Classification: Uncertain significance for Hereditary cancer-predisposing syndrome. Last evaluated: 2025-04-29. Review status: criteria provided, single submitter. Criteria: Ambry Variant Classification Scheme 2023. Collection method: clinical testing. Allele origin: germline.
Comment: The p.T391S variant (also known as c.1171A>T), located in coding exon 12 of the NF2 gene, results from an A to T substitution at nucleotide position 1171. The threonine at codon 391 is replaced by serine, an amino acid with similar properties. This amino acid position is conserved. In addition, this alteration is predicted to be tolerated by in silico analysis. Based on the available evidence, the clinical significance of this variant remains unclear.

Labcorp Genetics (formerly Invitae), Labcorp
Classification: Uncertain significance for Neurofibromatosis, type 2. Last evaluated: 2022-03-11. Review status: criteria provided, single submitter. Criteria: Invitae Variant Classification Sherloc (09022015). Collection method: clinical testing. Allele origin: germline.
Comment: In summary, the available evidence is currently insufficient to determine the role of this variant in disease. Therefore, it has been classified as a Variant of Uncertain Significance. Algorithms developed to predict the effect of missense changes on protein structure and function (SIFT, PolyPhen-2, Align-GVGD) all suggest that this variant is likely to be tolerated. This variant has not been reported in the literature in individuals affected with NF2-related conditions. This variant is not present in population databases (gnomAD no frequency). This sequence change replaces threonine, which is neutral and polar, with serine, which is neutral and polar, at codon 391 of the NF2 protein (p.Thr391Ser).

NM_000268.4(NF2):c.1171A>T (p.Thr391Ser)

Gene: NF2 (NF2, moesin-ezrin-radixin like (MERLIN) tumor suppressor; plus strand). Cytogenetic location: 22q12.2.
Variant type: single nucleotide variant.
Coding change: c.1171A>T on transcript NM_000268.4 (MANE Select); coding-DNA position 1171, A replaced by T.
Protein change: p.Thr391Ser; replaces threonine 391 with serine.
Molecular consequence: missense variant. On other transcripts: non-coding transcript variant (1), intron variant (1).
Genome position (GRCh38, 1-based): chr22:29,673,317, A>T. VCF-style: chr22-29673317-A-T. GRCh37 (hg19) VCF-style: chr22-30069306-A-T.
Other names: c.1057A>T, p.Thr353Ser (NM_001407053.1, NM_001407056.1); c.1048A>T, p.Thr350Ser (NM_001407054.1, NM_001407058.1, NM_181829.3); c.1045A>T, p.Thr349Ser (NM_001407055.1, NM_181828.3); c.1036A>T, p.Thr346Ser (NM_001407057.1, NM_001407059.1); c.1171A>T, p.Thr391Ser (NM_001407060.1, NM_001407066.1, NM_016418.5 and 2 more transcripts); c.913A>T, p.Thr305Ser (NM_001407062.1); c.922A>T, p.Thr308Ser (NM_001407063.1, NM_001407064.1, NM_181830.3 and 1 more transcripts); c.637A>T, p.Thr213Ser (NM_001407065.1); and 2 more; short protein forms T213S, T391S, T346S, T353S, T305S, T308S, T314S, T349S.
Identifiers: ClinVar variation 2109220 (VCV002109220.5), dbSNP rs2518679642, ClinGen allele CA411148065.